The following is an entry in ClinVar:

NM_000440.3(PDE6A):c.1718C>A (p.Ser573Tyr)

Gene: PDE6A (phosphodiesterase 6A; minus strand). Cytogenetic location: 5q32.
Variant type: single nucleotide variant.
Coding change: c.1718C>A on transcript NM_000440.3 (MANE Select); coding-DNA position 1718, C replaced by A.
Protein change: p.Ser573Tyr; replaces serine 573 with tyrosine.
Molecular consequence: missense variant.
Genome position (GRCh38, 1-based): chr5:149,895,193, G>T on the plus strand (C>A on the coding strand, the complement: PDE6A is on the minus strand). VCF-style: chr5-149895193-G-T. GRCh37 (hg19) VCF-style: chr5-149274756-G-T.
Other names: c.1475C>A, p.Ser492Tyr (NM_001410788.1); short protein forms S492Y, S573Y.
Identifiers: ClinVar variation 1713941 (VCV001713941.3), dbSNP rs200518176, ClinGen allele CA3504578.

ClinVar aggregate classification (germline): Uncertain significance (1 of 4 stars; one submission).

Allele frequency attached by ClinVar (database versions not stated): TOPMed below 0.00001; gnomAD 0.00001; ExAC 0.00004; 1000 Genomes Project 30x 0.00016; 1000 Genomes Project 0.00020.
gnomAD v4.1: 7 of 1,612,350 alleles (0.00043%); highest among the groups gnomAD compares: East Asian, 0.013%; no homozygotes.

Submission:

Labcorp Genetics (formerly Invitae), Labcorp
Classification: Uncertain significance. Last evaluated: 2022-07-27. Review status: criteria provided, single submitter. Criteria: Invitae Variant Classification Sherloc (09022015). Collection method: clinical testing. Allele origin: germline.
Comment: This sequence change replaces serine, which is neutral and polar, with tyrosine, which is neutral and polar, at codon 573 of the PDE6A protein (p.Ser573Tyr). The frequency data for this variant in the population databases is considered unreliable, as metrics indicate poor data quality at this position in the gnomAD database. This variant has not been reported in the literature in individuals affected with PDE6A-related conditions. Algorithms developed to predict the effect of missense changes on protein structure and function are either unavailable or do not agree on the potential impact of this missense change (SIFT: "Deleterious"; PolyPhen-2: "Possibly Damaging"; Align-GVGD: "Class C0"). In summary, the available evidence is currently insufficient to determine the role of this variant in disease. Therefore, it has been classified as a Variant of Uncertain Significance.